The following is an entry in ClinVar:

NM_000492.4(CFTR):c.676G>A (p.Gly226Arg)

Gene: CFTR (CF transmembrane conductance regulator; plus strand). Cytogenetic location: 7q31.2.
Variant type: single nucleotide variant.
Coding change: c.676G>A on transcript NM_000492.4 (MANE Select); coding-DNA position 676, G replaced by A.
Protein change: p.Gly226Arg; replaces glycine 226 with arginine.
Molecular consequence: missense variant.
Genome position (GRCh38, 1-based): chr7:117,535,344, G>A. VCF-style: chr7-117535344-G-A. GRCh37 (hg19) VCF-style: chr7-117175398-G-A.
Other names: short protein forms G226R.
Identifiers: ClinVar variation 1755345 (VCV001755345.2), dbSNP rs1562890588, ClinGen allele CA368977021.

ClinVar aggregate classification (germline): Uncertain significance (1 of 4 stars; one submission).

Conditions:
Cystic fibrosis (CF). Also called: MUCOVISCIDOSIS. Identifiers: Orphanet 586, MedGen C0010674, MONDO:0009061, OMIM 219700. Disease mechanism: loss of function.

Allele frequency attached by ClinVar (database versions not stated): gnomAD 0.00001.
gnomAD v4.1: 1 of 1,613,940 alleles (0.000062%); highest among the groups gnomAD compares: East Asian, 0.0022%; no homozygotes.

Submission:

Ambry Genetics
Classification: Uncertain significance for Cystic fibrosis. Last evaluated: 2022-03-25. Review status: criteria provided, single submitter. Criteria: Ambry Variant Classification Scheme 2023. Collection method: clinical testing. Allele origin: germline.
Comment: The p.G226R variant (also known as c.676G>A), located in coding exon 6 of the CFTR gene, results from a G to A substitution at nucleotide position 676. The glycine at codon 226 is replaced by arginine, an amino acid with dissimilar properties. This amino acid position is conserved. In addition, this alteration is predicted to be deleterious by in silico analysis. Since supporting evidence is limited at this time, the clinical significance of this alteration remains unclear.